The following is an entry in ClinVar:

ClinVar aggregate classification (germline): Pathogenic. Review status: criteria provided, multiple submitters, no conflicts (2 of 4 stars). 2 submissions from 2 submitters: Pathogenic (2). Last evaluated 2019-04-24.

Conditions:
Kabuki syndrome 2 (KABUK2). Also called: KDM6A-Related Kabuki Syndrome. Identifiers: Orphanet 2322, MedGen C3275495, MONDO:0010465, OMIM 300867.

Submissions (2):

Labcorp Genetics (formerly Invitae), Labcorp
Classification: Pathogenic for Kabuki syndrome 2. Last evaluated: 2019-04-24. Review status: criteria provided, single submitter. Criteria: Invitae Variant Classification Sherloc (09022015). Collection method: clinical testing. Allele origin: germline.
Comment: This sequence change creates a premature translational stop signal (p.Asp776Ilefs*8) in the KDM6A gene. It is expected to result in an absent or disrupted protein product. This variant is not present in population databases (ExAC no frequency). This variant has been observed in an individual affected with multiple congenital anomalies within a cohort of patients who underwent whole exome sequencing (PMID: 26633542). ClinVar contains an entry for this variant (Variation ID: 265212). Loss-of-function variants in KDM6A are known to be pathogenic (PMID: 23076834, 23913813). For these reasons, this variant has been classified as Pathogenic.

GeneDx
Classification: Pathogenic. Last evaluated: 2017-01-31. Review status: criteria provided, single submitter. Criteria: GeneDx Variant Classification (06012015). Collection method: clinical testing. Allele origin: germline. Affected: yes.
Comment: The c.2326_2329delGACA variant in the KDM6A gene has not been reported previously as a pathogenic variant nor as a benign variant, to our knowledge. The c.2326_2329delGACA variant causes a frameshift starting with codon Aspartic acid 776, changes this amino acid to an Isoleucine residue and creates a premature Stop codon at position 8 of the new reading frame, denoted p.Asp776IlefsX8. This variant is predicted to cause loss of normal protein function either through protein truncation or nonsense-mediated mRNA decay. The c.2326_2329delGACA variant was not observed in approximately 6500 individuals of European and African American ancestry in the NHLBI Exome Sequencing Project, indicating it is not a common benign variant in these populations. We interpret c.2326_2329delGACA as a pathogenic variant.

Literature cited by the submitters: PubMed 26633542 (cited by Labcorp Genetics (formerly Invitae), Labcorp).

NM_001291415.2(KDM6A):c.2482_2485del (p.Asp828fs)

Gene: KDM6A (lysine demethylase 6A; plus strand). Cytogenetic location: Xp11.3.
Variant type: Deletion.
Coding change: c.2482_2485del on transcript NM_001291415.2 (MANE Select); coding-DNA positions 2482 to 2485, 4 bases deleted (GACA; older notation c.2482_2485delGACA).
Protein change: p.Asp828fs; shifts the reading frame from aspartic acid 828.
Molecular consequence: frameshift variant. On other transcripts: non-coding transcript variant (1).
Genome position (GRCh38, 1-based): chrX:45,069,981-45,069,984, GACA deleted; deleting any 4 consecutive bases within chrX:45,069,979-45,069,984 gives the same sequence; the c. name uses the placement nearest the transcript's 3' end. VCF-style (leftmost placement, unchanged base first): chrX-45069978-TCAGA-T. GRCh37 (hg19) VCF-style: chrX-44929223-TCAGA-T.
Other names: c.2347_2350del, p.Asp783fs (NM_001291416.2); c.2191_2194del, p.Asp731fs (NM_001291417.2); c.2089_2092del, p.Asp697fs (NM_001291418.2); c.1438_1441del, p.Asp480fs (NM_001291421.2); c.2326_2329del, p.Asp776fs (NM_021140.4); short protein forms D480fs, D731fs, D828fs, D697fs, D776fs, D783fs.
Identifiers: ClinVar variation 265212 (VCV000265212.3), dbSNP rs886039398, ClinGen allele CA10588786.